The following is an entry in ClinVar:

ClinVar aggregate classification (germline): Uncertain significance (1 of 4 stars; one submission).

Conditions:
Hereditary sensory and autonomic neuropathy type 7. Also called: Neuropathy, hereditary sensory and autonomic, type VII; HSAN VII. Identifiers: Orphanet 391397, MedGen C3809882, MONDO:0014244, OMIM 615548.
Familial episodic pain syndrome with predominantly lower limb involvement. Also called: Episodic pain syndrome, familial, 3. Identifiers: Orphanet 391384, Orphanet 391392, MedGen C3809899, MONDO:0014247, OMIM 615552.

Allele frequency attached by ClinVar (database versions not stated): gnomAD exomes below 0.00001 and 0.00002; gnomAD 0.00001; ExAC 0.00002; 1000 Genomes Project 30x 0.00016; 1000 Genomes Project 0.00020.
gnomAD v4.1: 7 of 1,613,202 alleles (0.00043%); highest among the groups gnomAD compares: South Asian, 0.0066%; no homozygotes.

Submission:

Labcorp Genetics (formerly Invitae), Labcorp
Classification: Uncertain significance for Familial episodic pain syndrome with predominantly lower limb involvement; Hereditary sensory and autonomic neuropathy type 7. Last evaluated: 2020-08-20. Review status: criteria provided, single submitter. Criteria: Invitae Variant Classification Sherloc (09022015). Collection method: clinical testing. Allele origin: germline.
Comment: In summary, the available evidence is currently insufficient to determine the role of this variant in disease. Therefore, it has been classified as a Variant of Uncertain Significance. Algorithms developed to predict the effect of missense changes on protein structure and function output the following: SIFT: "Tolerated"; PolyPhen-2: "Benign"; Align-GVGD: "Class C0". The leucine amino acid residue is found in multiple mammalian species, suggesting that this missense change does not adversely affect protein function. These predictions have not been confirmed by published functional studies and their clinical significance is uncertain. This variant has not been reported in the literature in individuals with SCN11A-related conditions. This variant is present in population databases (rs571063521, ExAC 0.01%). This sequence change replaces phenylalanine with leucine at codon 1231 of the SCN11A protein (p.Phe1231Leu). The phenylalanine residue is weakly conserved and there is a small physicochemical difference between phenylalanine and leucine.

NM_001349253.2(SCN11A):c.3693C>A (p.Phe1231Leu)

Genes: SCN11A (sodium voltage-gated channel alpha subunit 11; minus strand), LOC126806652 (CDK7 strongly-dependent group 2 enhancer GRCh37_chr3:38912374-38913573; plus strand). Cytogenetic location: 3p22.2.
Variant type: single nucleotide variant.
Coding change: c.3693C>A on transcript NM_001349253.2 (MANE Select); coding-DNA position 3693, C replaced by A.
Protein change: p.Phe1231Leu; replaces phenylalanine 1231 with leucine.
Molecular consequence: missense variant.
Genome position (GRCh38, 1-based): chr3:38,871,511, G>T on the plus strand (C>A on the coding strand, the complement: SCN11A is on the minus strand). VCF-style: chr3-38871511-G-T. GRCh37 (hg19) VCF-style: chr3-38913002-G-T.
Other names: c.3693C>A, p.Phe1231Leu (NM_014139.3); short protein forms F1231L.
Identifiers: ClinVar variation 1055871 (VCV001055871.5), dbSNP rs571063521, ClinGen allele CA2321736.